The following is an entry in ClinVar:

ClinVar aggregate classification (germline): Likely benign (1 of 4 stars; one submission).

Submission:

CeGaT Center for Human Genetics Tuebingen
Classification: Likely benign. Last evaluated: 2023-04-01. Review status: criteria provided, single submitter. Criteria: CeGaT Center For Human Genetics Tuebingen Variant Classification Criteria Version 2. Collection method: clinical testing. Allele origin: germline. Affected: yes. Observed: 1 variant allele.
Comment: DDX20: BS2

NM_007204.5(DDX20):c.1262TGA[2] (p.Met423del)

Gene: DDX20 (DEAD-box helicase 20; plus strand). Cytogenetic location: 1p13.2.
Variant type: Microsatellite.
Coding change: c.1262TGA[2] on transcript NM_007204.5 (MANE Select); two copies in a row of the 3-base unit TGA starting at c.1262; the reference has three copies in a row; one copy, 3 bases deleted.
Protein change: p.Met423del; deletes methionine 423.
Molecular consequence: inframe deletion.
Genome position (GRCh38, 1-based): chr1:111,762,963-111,762,965, TGA deleted; deleting any 3 consecutive bases within chr1:111,762,956-111,762,965 gives the same sequence; the position shown is the placement nearest the transcript's 3' end. VCF-style (leftmost placement, unchanged base first): chr1-111762955-TATG-T. GRCh37 (hg19) VCF-style: chr1-112305577-TATG-T.
Other names: short protein forms M423del.
Identifiers: ClinVar variation 2638995 (VCV002638995.24), dbSNP rs538821511, ClinGen allele CA1007051.